The following is an entry in ClinVar:

ClinVar aggregate classification (germline): Uncertain significance. Review status: criteria provided, multiple submitters, no conflicts (2 of 4 stars). 2 submissions from 2 submitters: Uncertain significance (2). Last evaluated 2024-11-21.

Conditions:
Inborn genetic diseases. Identifiers: MedGen C0950123, MeSH D030342.

Allele frequency attached by ClinVar (database versions not stated): ESP Exome Variant Server 0.00008; TOPMed 0.00001; gnomAD exomes 0.00002.
gnomAD v4.1: 30 of 1,614,022 alleles (0.0019%); highest among the groups gnomAD compares: Admixed American, 0.005%; no homozygotes.

Submissions (2):

Ambry Genetics
Classification: Uncertain significance for Inborn genetic diseases. Last evaluated: 2024-11-21. Review status: criteria provided, single submitter. Criteria: Ambry Variant Classification Scheme 2023. Collection method: clinical testing. Allele origin: germline.

Labcorp Genetics (formerly Invitae), Labcorp
Classification: Uncertain significance. Last evaluated: 2024-10-15. Review status: criteria provided, single submitter. Criteria: Invitae Variant Classification Sherloc (09022015). Collection method: clinical testing. Allele origin: germline.
Comment: This sequence change replaces histidine, which is basic and polar, with aspartic acid, which is acidic and polar, at codon 739 of the VPS13A protein (p.His739Asp). This variant is present in population databases (rs374188914, gnomAD 0.006%). This variant has not been reported in the literature in individuals affected with VPS13A-related conditions. ClinVar contains an entry for this variant (Variation ID: 2080286). Invitae Evidence Modeling of protein sequence and biophysical properties (such as structural, functional, and spatial information, amino acid conservation, physicochemical variation, residue mobility, and thermodynamic stability) indicates that this missense variant is expected to disrupt VPS13A protein function with a positive predictive value of 80%. In summary, the available evidence is currently insufficient to determine the role of this variant in disease. Therefore, it has been classified as a Variant of Uncertain Significance.

NM_033305.3(VPS13A):c.2215C>G (p.His739Asp)

Gene: VPS13A (vacuolar protein sorting 13 homolog A; plus strand). Cytogenetic location: 9q21.2.
Variant type: single nucleotide variant.
Coding change: c.2215C>G on transcript NM_033305.3 (MANE Select); coding-DNA position 2215, C replaced by G.
Protein change: p.His739Asp; replaces histidine 739 with aspartic acid.
Molecular consequence: missense variant.
Genome position (GRCh38, 1-based): chr9:77,252,279, C>G. VCF-style: chr9-77252279-C-G. GRCh37 (hg19) VCF-style: chr9-79867195-C-G.
Other names: c.2215C>G (NM_033305.2); c.2215C>G, p.His739Asp (NM_001018037.2, NM_001018038.3, NM_015186.4); short protein forms H739D.
Identifiers: ClinVar variation 2080286 (VCV002080286.4), dbSNP rs374188914, ClinGen allele CA194395873.